The following is an entry in ClinVar:

NM_000497.4(CYP11B1):c.841_842insACAGTACACCA (p.Ser281fs)

Genes: CYP11B1 (cytochrome P450 family 11 subfamily B member 1; minus strand), LOC106799833 (CYP11B1 recombination region; plus strand). Cytogenetic location: 8q24.3.
Variant type: Insertion.
Coding change: c.841_842insACAGTACACCA on transcript NM_000497.4 (MANE Select); coding-DNA positions 841 to 842, ACAGTACACCA inserted.
Protein change: p.Ser281fs; shifts the reading frame from serine 281.
Molecular consequence: frameshift variant.
Genome position: GRCh38 VCF-style: chr8-142876353-C-CTGGTGTACTGT. GRCh37 (hg19) VCF-style: chr8-143957769-C-CTGGTGTACTGT.
Other names: c.841_842ins11 (NM_000497.3); c.841_842insACAGTACACCA, p.Ser281fs (NM_001026213.1); short protein forms S281fs.
Identifiers: ClinVar variation 447227 (VCV000447227.11), dbSNP rs775128501, ClinGen allele CA4905282.

ClinVar aggregate classification (germline): Pathogenic. Review status: criteria provided, multiple submitters, no conflicts (2 of 4 stars). 3 submissions from 3 submitters: Pathogenic (2). 1 of the submissions does not count toward it. Last evaluated 2024-02-27.

Conditions:
Deficiency of steroid 11-beta-monooxygenase (CYP11B1). Also called: P450C11B1 DEFICIENCY; STEROID 11-BETA-HYDROXYLASE DEFICIENCY; ADRENAL HYPERPLASIA IV; ADRENAL HYPERPLASIA, CONGENITAL, DUE TO STEROID 11-BETA-HYDROXYLASE DEFICIENCY; 11-BETA-HYDROXYLASE DEFICIENCY; Congenital adrenal hyperplasia due to 11-beta-hydroxylase deficiency. Identifiers: Orphanet 90795, MedGen C0268292, MONDO:0008729, OMIM 202010. Disease mechanism: loss of function.

Submissions (3):

Labcorp Genetics (formerly Invitae), Labcorp
Classification: Pathogenic. Last evaluated: 2024-02-27. Review status: criteria provided, single submitter. Criteria: Invitae Variant Classification Sherloc (09022015). Collection method: clinical testing. Allele origin: germline.
Comment: This sequence change creates a premature translational stop signal (p.Ser281Asnfs*19) in the CYP11B1 gene. It is expected to result in an absent or disrupted protein product. Loss-of-function variants in CYP11B1 are known to be pathogenic (PMID: 8506298, 26476331). This variant is present in population databases (rs775128501, gnomAD 0.009%). This premature translational stop signal has been observed in individual(s) with congenital adrenal hyperplasia (PMID: 24334966). This variant is also known as 3467^3468insACAGTACACCA. ClinVar contains an entry for this variant (Variation ID: 447227). For these reasons, this variant has been classified as Pathogenic.

Athena Diagnostics
Classification: Pathogenic. Last evaluated: 2016-09-22. Review status: criteria provided, single submitter. Criteria: Athena Diagnostics Criteria. Collection method: clinical testing. Allele origin: germline.

Counsyl
Classification: Likely pathogenic for Deficiency of steroid 11-beta-monooxygenase. Last evaluated: 2017-08-25. Review status: no assertion criteria provided. Collection method: clinical testing. Allele origin: unknown. Not counted in ClinVar's aggregate classification.

Literature cited by the submitters: PubMed 8506298 (cited by Labcorp Genetics (formerly Invitae), Labcorp); PubMed 26476331 (cited by Labcorp Genetics (formerly Invitae), Labcorp); PubMed 24334966 (cited by 3 submitters).